The following is an entry in ClinVar:

ClinVar aggregate classification (germline): Uncertain significance (1 of 4 stars; one submission).

Submission:

GeneDx
Classification: Uncertain significance. Last evaluated: 2025-07-18. Review status: criteria provided, single submitter. Criteria: GeneDx Variant Classification Process June 2021. Collection method: clinical testing. Allele origin: germline. Affected: yes.
Comment: Not observed at significant frequency in large population cohorts (gnomAD); In silico analysis supports that this missense variant has a deleterious effect on protein structure/function; Has not been previously published as pathogenic or benign to our knowledge; Not located in one of the three hot-spot regions of the RYR2 gene, where the majority of pathogenic missense variants occur (PMID: 19926015); This variant is associated with the following publications: (PMID: 19926015)

NM_001035.3(RYR2):c.5540A>C (p.Glu1847Ala)

Gene: RYR2 (ryanodine receptor 2; plus strand). Cytogenetic location: 1q43.
Variant type: single nucleotide variant.
Coding change: c.5540A>C on transcript NM_001035.3 (MANE Select); coding-DNA position 5540, A replaced by C.
Protein change: p.Glu1847Ala; replaces glutamic acid 1847 with alanine.
Molecular consequence: missense variant.
Genome position (GRCh38, 1-based): chr1:237,614,668, A>C. VCF-style: chr1-237614668-A-C. GRCh37 (hg19) VCF-style: chr1-237777968-A-C.
Other names: short protein forms E1847A.
Identifiers: ClinVar variation 4686520 (VCV004686520.1).